The following is an entry in ClinVar:

ClinVar aggregate classification (germline): Benign. Review status: criteria provided, multiple submitters, no conflicts (2 of 4 stars). 3 submissions from 3 submitters: Benign (3). Last evaluated 2024-07-15.

Allele frequency attached by ClinVar (database versions not stated): gnomAD 0.59345 and 0.59902; TOPMed 0.59995; 1000 Genomes Project 30x 0.61274; 1000 Genomes Project 0.61482; gnomAD exomes 0.65132.
gnomAD v4.1: 989,865 of 1,532,036 alleles (65%); highest among the groups gnomAD compares: Admixed American, 75%; 321,346 homozygotes.

Submissions (3):

Unidad de Genómica Garrahan, Hospital de Pediatría Garrahan
Classification: Benign. Last evaluated: 2024-07-15. Review status: criteria provided, single submitter. Criteria: ACMG Guidelines, 2015. Collection method: clinical testing. Allele origin: germline. Affected: no. Observed: 89 variant alleles.
Comment: This variant is classified as Benign based on local population frequency. This variant was detected in 96% of patients studied in a panel designed for Epileptic and Developmental Encephalopathy and Progressive Myoclonus Epilepsy. Number of patients: 89. Only high quality variants are reported.

GeneDx
Classification: Benign. Last evaluated: 2018-06-14. Review status: criteria provided, single submitter. Criteria: GeneDx Variant Classification (06012015). Collection method: clinical testing. Allele origin: germline. Affected: yes.
Comment: This variant is considered likely benign or benign based on one or more of the following criteria: it is a conservative change, it occurs at a poorly conserved position in the protein, it is predicted to be benign by multiple in silico algorithms, and/or has population frequency not consistent with disease.

Breakthrough Genomics
Classification: Benign. Review status: criteria provided, single submitter. Criteria: ACMG Guidelines, 2015. Collection method: not provided. Allele origin: germline. Inheritance: Autosomal dominant inheritance. Affected: yes.

NM_004408.4(DNM1):c.385+54C>T

Genes: DNM1 (dynamin 1; plus strand), LOC113839516 (Sharpr-MPRA regulatory region 8497; plus strand). Cytogenetic location: 9q34.11.
Variant type: single nucleotide variant.
Coding change: c.385+54C>T on transcript NM_004408.4 (MANE Select); 54 bases into the intron after coding-DNA position 385, C replaced by T.
Molecular consequence: intron variant.
Genome position (GRCh38, 1-based): chr9:128,218,785, C>T. VCF-style: chr9-128218785-C-T. GRCh37 (hg19) VCF-style: chr9-130981064-C-T.
Other names: c.385+54C>T (NM_001005336.3, NM_001288738.2, NM_001288737.2 and 1 more transcripts).
Identifiers: ClinVar variation 679298 (VCV000679298.4), dbSNP rs3003602, ClinGen allele CA13020668.